The following is an entry in ClinVar:

NM_001164665.2(KIAA1549):c.2181C>T (p.Leu727=)

Gene: KIAA1549 (KIAA1549; minus strand). Cytogenetic location: 7q34.
Variant type: single nucleotide variant.
Coding change: c.2181C>T on transcript NM_001164665.2 (MANE Select); coding-DNA position 2181, C replaced by T.
Protein change: p.Leu727=; no amino-acid change (leucine 727 retained).
Molecular consequence: synonymous variant.
Genome position (GRCh38, 1-based): chr7:138,917,445, G>A on the plus strand (C>T on the coding strand, the complement: KIAA1549 is on the minus strand). VCF-style: chr7-138917445-G-A. GRCh37 (hg19) VCF-style: chr7-138602191-G-A.
Other names: c.2181C>T, p.Leu727= (NM_020910.3); c.2181C>T (NM_001164665.1).
Identifiers: ClinVar variation 1170050 (VCV001170050.12), dbSNP rs201109912, ClinGen allele CA4506558.
Genomic context (GRCh38, chr7:138,917,445, plus strand): 5'-AGCTGAGGTAAAATGAGCTTCTGAATCCGTCAGTGAAACCGTAGACGCTTCAACAAACTC[G>A]AGAGAATCAGAAGGGAAGCTTGACCATGGTGACACCTCAGAACGGCTAGGTAGCAACATG-3'
Protein context (NP_001158137.1, residues 717-737): SPWSSFPSDS[Leu727=]EFVEASTVSL

ClinVar aggregate classification (germline): Benign/Likely benign. Review status: criteria provided, multiple submitters, no conflicts (2 of 4 stars). 3 submissions from 3 submitters: Benign (1); Likely benign (1). 1 of the submissions does not count toward it. Last evaluated 2025-12-15.

Conditions:
KIAA1549-related disorder. Also called: KIAA1549-related condition.

Allele frequency attached by ClinVar (database versions not stated): gnomAD exomes 0.00047 and 0.00093; TOPMed 0.00061; gnomAD 0.00066 and 0.00072; ESP Exome Variant Server 0.00074; ExAC 0.00080.
gnomAD v4.1: 862 of 1,613,814 alleles (0.053%); highest among the groups gnomAD compares: Middle Eastern, 0.033%; 6 homozygotes.

Submissions (3):

Labcorp Genetics (formerly Invitae), Labcorp
Classification: Benign. Last evaluated: 2025-12-15. Review status: criteria provided, single submitter. Criteria: Invitae Variant Classification Sherloc (09022015). Collection method: clinical testing. Allele origin: germline.

Blueprint Genetics
Classification: Likely benign. Last evaluated: 2024-09-13. Review status: criteria provided, single submitter. Criteria: ACMG Guidelines, 2015. Collection method: clinical testing. Allele origin: germline.

PreventionGenetics, part of Exact Sciences
Classification: Benign for KIAA1549-related condition. Last evaluated: 2019-07-22. Review status: no assertion criteria provided. Collection method: clinical testing. Allele origin: germline. Not counted in ClinVar's aggregate classification.
Comment: This variant is classified as benign based on ACMG/AMP sequence variant interpretation guidelines (Richards et al. 2015 PMID: 25741868, with internal and published modifications).